The following is an entry in ClinVar:

ClinVar aggregate classification (germline): Pathogenic. Review status: reviewed by expert panel (3 of 4 stars). 6 submissions from 6 submitters: Pathogenic (1). 5 of the submissions do not count toward it. Last evaluated 2021-11-19.

Conditions:
Glycogen storage disease, type II (IOPD). Also called: CARDIOMEGALIA GLYCOGENICA DIFFUSA; GLYCOGENOSIS, GENERALIZED, CARDIAC FORM; GSD II; Glucosidase acid-1,4-alpha deficiency; Glycogen storage disease type 2; Acid maltase deficiency disease. Identifiers: Orphanet 365, MedGen C0017921, MONDO:0009290, OMIM 232300.

Submissions (6):

ClinGen Lysosomal Storage Disorder Variant Curation Expert Panel
Classification: Pathogenic for Glycogen storage disease, type II. Last evaluated: 2021-11-19. Review status: reviewed by expert panel. Criteria: clingen_lsd_acmg_specifications_v2-1. Collection method: curation. Allele origin: germline. Inheritance: Autosomal recessive inheritance.
Comment: The NM_000152.5:c.2185del (p.Leu729TrpfsTer35) variant in GAA is a frameshift variant predicted to cause a premature stop codon and to lead to nonsense mediated decay in a gene in which loss-of-function is an established disease mechanism (PVS1). This variant has been reported in three individuals with infantile onset Pompe disease (PMIDs 19588081, 24269976, 28394184)(PP4). One of these individuals is homozygous for the variant (PMID 19588081)(PM3_Supporting); another individual is heterozygous for the variant but a second variant was not found (PMID, 24269976), and one is compound heterozygous for the variant and c.1935C>A (p.Asp645Glu)(PMID 28394184). The allelic data for this latter patient was used in the assessment of p.Asp645Glu and is not included here to avoid circular logic. The variant is absent in gnomAD v2.1.1 (PM2_Supporting). There is a ClinVar entry for this variant (Variant ID 370552; 2 star review status) with one submitter classifying the variant as pathogenic and one as likely pathogenic. In summary, this variant meets the criteria to be classified as pathogenic for Pompe disease. GAA-specific ACMG/AMP criteria met, as specified by the ClinGen LSD VCEP (Specifications Version 2.0): PVS1, PP4, PM2_Supporting, PM3_Supporting.

Genomenon, Inc
Classification: Pathogenic for Glycogen storage disease, type II. Last evaluated: 2026-07-01. Review status: criteria provided, single submitter. Criteria: Genomenon Sequence Variant Interpretation Standards - Updated. Collection method: curation. Allele origin: germline. Affected: yes. Not counted in ClinVar's aggregate classification.
Comment: GAA p.Leu729TrpfsTer35 (c.2185del) is a frameshift variant that is predicted to introduce a premature termination codon and result in a truncated or absent protein product. This variant has been observed in at least one proband with a GAA-related disorder (PMID:39227307;28394184;19588081;24269976). It is absent or not present at a significant frequency in gnomAD. In conclusion, we classify GAA p.Leu729TrpfsTer35 (c.2185del) as a pathogenic variant.

Labcorp Genetics (formerly Invitae), Labcorp
Classification: Pathogenic for Glycogen storage disease, type II. Last evaluated: 2024-10-28. Review status: criteria provided, single submitter. Criteria: Invitae Variant Classification Sherloc (09022015). Collection method: clinical testing. Allele origin: germline. Not counted in ClinVar's aggregate classification.
Comment: This sequence change creates a premature translational stop signal (p.Leu729Trpfs*35) in the GAA gene. It is expected to result in an absent or disrupted protein product. Loss-of-function variants in GAA are known to be pathogenic (PMID: 18425781, 22252923). This variant is not present in population databases (gnomAD no frequency). This premature translational stop signal has been observed in individuals with glycogen storage disease (PMID: 19588081, 28394184). ClinVar contains an entry for this variant (Variation ID: 370552). For these reasons, this variant has been classified as Pathogenic.

Natera, Inc.
Classification: Pathogenic for Glycogen storage disease type II. Last evaluated: 2024-04-10. Review status: criteria provided, single submitter. Criteria: Natera Variant Classification Schema (03/2026). Collection method: clinical testing. Allele origin: germline. Not counted in ClinVar's aggregate classification.
Comment: The c.2185delC variant in GAA is a frameshift variant predicted to shift the reading frame beginning at codon 729 and leads to a stop codon 35 codons downstream. This variant is expected to result in nonsense mediated decay, truncation, or a dysfunctional protein product. This variant is rare in the general population with a frequency below the threshold expected for the associated phenotype(s). This variant has been observed in one or more individuals affected with the associated recessive disease, as either homozygous or compound heterozygous with a second variant (PMID: 19588081, 28394184). Given the available evidence, this variant is classified as Pathogenic.

Women's Health and Genetics/Laboratory Corporation of America, LabCorp
Classification: Pathogenic for Glycogen storage disease, type II. Last evaluated: 2022-08-22. Review status: criteria provided, single submitter. Criteria: LabCorp Variant Classification Summary - May 2015. Collection method: clinical testing. Allele origin: germline. Not counted in ClinVar's aggregate classification.
Comment: Variant summary: GAA c.2185delC (p.Leu729TrpfsX35) results in a premature termination codon, predicted to cause a truncation of the encoded protein or absence of the protein due to nonsense mediated decay, which are commonly known mechanisms for disease. Truncations downstream of this position have been classified as pathogenic by our laboratory. The variant was absent in 199474 control chromosomes (gnomAD). c.2185delC has been reported in the literature in individuals affected with Glycogen Storage Disease, Type 2 (Pompe Disease) (Oba-Shinjo_2009, Fu_2013, Nio_2019). These data indicate that the variant is likely to be associated with disease. To our knowledge, no experimental evidence demonstrating an impact on protein function has been reported. Four ClinVar submitters (evaluation after 2014) cite the variant as pathogenic (n=3) and likely pathogenic (n=1), including ClinGen Lysosomal Storage Disorder Variant Curation Expert Panel classified it as pathogenic. Based on the evidence outlined above, the variant was classified as pathogenic.

Counsyl
Classification: Likely pathogenic for Glycogen storage disease, type II. Last evaluated: 2016-02-26. Review status: no assertion criteria provided. Collection method: clinical testing. Allele origin: unknown. Not counted in ClinVar's aggregate classification.

Literature cited by the submitters: PubMed 39227307 (cited by Genomenon, Inc); PubMed 28394184 (cited by 4 submitters); PubMed 19588081 (cited by 5 submitters); PubMed 24269976 (cited by Genomenon, Inc and Women's Health and Genetics/Laboratory Corporation of America, LabCorp); PubMed 18425781 (cited by Labcorp Genetics (formerly Invitae), Labcorp); PubMed 22252923 (cited by Labcorp Genetics (formerly Invitae), Labcorp); PubMed 31254424 (cited by Women's Health and Genetics/Laboratory Corporation of America, LabCorp).

NM_000152.5(GAA):c.2185del (p.Leu729fs)

Gene: GAA (alpha glucosidase; plus strand). Cytogenetic location: 17q25.3.
Variant type: Deletion.
Coding change: c.2185del on transcript NM_000152.5 (MANE Select); coding-DNA position 2185, one base deleted (C; older notation c.2185delC).
Protein change: p.Leu729fs; shifts the reading frame from leucine 729.
Molecular consequence: frameshift variant.
Genome position (GRCh38, 1-based): chr17:80,113,362, C deleted; the last of 2 consecutive C bases (chr17:80,113,361-80,113,362); deleting either gives the same sequence. VCF-style (leftmost placement, unchanged base first): chr17-80113360-TC-T. GRCh37 (hg19) VCF-style: chr17-78087159-TC-T.
Other names: NM_000152.5(GAA):c.2185del; p.Leu729fs; c.2185del, p.Leu729fs (NM_001079803.3, NM_001079804.3); c.2185delC (NM_000152.4); c.2185del (LRG_673t1); short protein forms L729fs.
Identifiers: ClinVar variation 370552 (VCV000370552.25), dbSNP rs1057516581, ClinGen allele CA16041899.